The following is an entry in ClinVar:

ClinVar aggregate classification (germline): Uncertain significance. Review status: criteria provided, multiple submitters, no conflicts (2 of 4 stars). 3 submissions from 3 submitters: Uncertain significance (3). Last evaluated 2026-01-06.

Conditions:
Hereditary cancer-predisposing syndrome. Also called: Tumor predisposition; Hereditary Cancer Syndrome; Hereditary neoplastic syndrome; Neoplastic Syndromes, Hereditary. Identifiers: Orphanet 140162, MedGen C0027672, MeSH D009386, MONDO:0015356.

Allele frequency attached by ClinVar (database versions not stated): gnomAD exomes below 0.00001.
gnomAD v4.1: 1 of 1,614,146 alleles (0.000062%); highest among the groups gnomAD compares: Non-Finnish European, 0.000085%; no homozygotes.

Submissions (3):

Ambry Genetics
Classification: Uncertain significance for Hereditary cancer-predisposing syndrome. Last evaluated: 2026-01-06. Review status: criteria provided, single submitter. Criteria: Ambry Variant Classification Scheme 2023. Collection method: clinical testing. Allele origin: germline.
Comment: The p.E1028K variant (also known as c.3082G>A), located in coding exon 26 of the POLE gene, results from a G to A substitution at nucleotide position 3082. The glutamic acid at codon 1028 is replaced by lysine, an amino acid with similar properties. This amino acid position is highly conserved in available vertebrate species. In addition, the in silico prediction for this alteration is inconclusive. Based on the available evidence, the clinical significance of this variant remains unclear.

Labcorp Genetics (formerly Invitae), Labcorp
Classification: Uncertain significance. Last evaluated: 2024-05-27. Review status: criteria provided, single submitter. Criteria: Invitae Variant Classification Sherloc (09022015). Collection method: clinical testing. Allele origin: germline.
Comment: This sequence change replaces glutamic acid, which is acidic and polar, with lysine, which is basic and polar, at codon 1028 of the POLE protein (p.Glu1028Lys). This variant is not present in population databases (gnomAD no frequency). This variant has not been reported in the literature in individuals affected with POLE-related conditions. ClinVar contains an entry for this variant (Variation ID: 1685022). Advanced modeling of protein sequence and biophysical properties (such as structural, functional, and spatial information, amino acid conservation, physicochemical variation, residue mobility, and thermodynamic stability) performed at Invitae indicates that this missense variant is expected to disrupt POLE protein function with a positive predictive value of 80%. In summary, the available evidence is currently insufficient to determine the role of this variant in disease. Therefore, it has been classified as a Variant of Uncertain Significance.

Mendelics
Classification: Uncertain significance. Last evaluated: 2022-05-04. Review status: criteria provided, single submitter. Criteria: Mendelics Assertion Criteria 2019. Collection method: clinical testing. Allele origin: germline.

NM_006231.4(POLE):c.3082G>A (p.Glu1028Lys)

Gene: POLE (DNA polymerase epsilon, catalytic subunit; minus strand). Cytogenetic location: 12q24.33.
Variant type: single nucleotide variant.
Coding change: c.3082G>A on transcript NM_006231.4 (MANE Select); coding-DNA position 3082, G replaced by A.
Protein change: p.Glu1028Lys; replaces glutamic acid 1028 with lysine.
Molecular consequence: missense variant.
Genome position (GRCh38, 1-based): chr12:132,659,488, C>T on the plus strand (G>A on the coding strand, the complement: POLE is on the minus strand). VCF-style: chr12-132659488-C-T. GRCh37 (hg19) VCF-style: chr12-133236074-C-T.
Other names: c.3082G>A (NM_006231.2); short protein forms E1028K.
Identifiers: ClinVar variation 1685022 (VCV001685022.4), dbSNP rs2138678777, ClinGen allele CA387391817.